The following is an entry in ClinVar:

ClinVar aggregate classification (germline): Uncertain significance. Review status: criteria provided, multiple submitters, no conflicts (2 of 4 stars). 2 submissions from 2 submitters: Uncertain significance (2). Last evaluated 2026-01-27.

Submissions (2):

Labcorp Genetics (formerly Invitae), Labcorp
Classification: Uncertain significance. Last evaluated: 2026-01-27. Review status: criteria provided, single submitter. Criteria: Invitae Variant Classification Sherloc (09022015). Collection method: clinical testing. Allele origin: germline.
Comment: This sequence change replaces histidine, which is basic and polar, with glutamine, which is neutral and polar, at codon 315 of the ABRAXAS1 protein (p.His315Gln). This variant is not present in population databases (gnomAD no frequency). This variant has not been reported in the literature in individuals affected with ABRAXAS1-related conditions. ClinVar contains an entry for this variant (Variation ID: 644302). Invitae Evidence Modeling of protein sequence and biophysical properties (such as structural, functional, and spatial information, amino acid conservation, physicochemical variation, residue mobility, and thermodynamic stability) indicates that this missense variant is not expected to disrupt ABRAXAS1 protein function with a negative predictive value of 80%. In summary, the available evidence is currently insufficient to determine the role of this variant in disease. Therefore, it has been classified as a Variant of Uncertain Significance.

Ambry Genetics
Classification: Uncertain significance. Last evaluated: 2022-08-28. Review status: criteria provided, single submitter. Criteria: Ambry Variant Classification Scheme 2023. Collection method: clinical testing. Allele origin: germline.
Comment: The p.H315Q variant (also known as c.945C>G), located in coding exon 9 of the FAM175A gene, results from a C to G substitution at nucleotide position 945. The histidine at codon 315 is replaced by glutamine, an amino acid with highly similar properties. This amino acid position is conserved. In addition, this alteration is predicted to be tolerated by in silico analysis. Since supporting evidence is limited at this time, the clinical significance of this alteration remains unclear.

NM_139076.3(ABRAXAS1):c.945C>G (p.His315Gln)

Gene: ABRAXAS1 (abraxas 1, BRCA1 A complex subunit; minus strand). Cytogenetic location: 4q21.23.
Variant type: single nucleotide variant.
Coding change: c.945C>G on transcript NM_139076.3 (MANE Select); coding-DNA position 945, C replaced by G.
Protein change: p.His315Gln; replaces histidine 315 with glutamine.
Molecular consequence: missense variant.
Genome position (GRCh38, 1-based): chr4:83,462,754, G>C on the plus strand (C>G on the coding strand, the complement: ABRAXAS1 is on the minus strand). VCF-style: chr4-83462754-G-C. GRCh37 (hg19) VCF-style: chr4-84383907-G-C.
Other names: c.618C>G, p.His206Gln (NM_001345962.2); short protein forms H315Q, H206Q.
Identifiers: ClinVar variation 644302 (VCV000644302.11), dbSNP rs1578122388, ClinGen allele CA357255828.